The following is an entry in ClinVar:

ClinVar aggregate classification (germline): Uncertain significance (1 of 4 stars; one submission).

gnomAD v4.1: 2 of 1,609,112 alleles (0.00012%); highest among the groups gnomAD compares: Non-Finnish European, 0.00017%; no homozygotes.

Submission:

Labcorp Genetics (formerly Invitae), Labcorp
Classification: Uncertain significance. Last evaluated: 2022-09-13. Review status: criteria provided, single submitter. Criteria: Invitae Variant Classification Sherloc (09022015). Collection method: clinical testing. Allele origin: germline.
Comment: In summary, the available evidence is currently insufficient to determine the role of this variant in disease. Therefore, it has been classified as a Variant of Uncertain Significance. Algorithms developed to predict the effect of missense changes on protein structure and function are either unavailable or do not agree on the potential impact of this missense change (SIFT: "Tolerated"; PolyPhen-2: "Possibly Damaging"; Align-GVGD: "Class C0"). This variant has not been reported in the literature in individuals affected with HMCN1-related conditions. This variant is not present in population databases (gnomAD no frequency). This sequence change replaces isoleucine, which is neutral and non-polar, with methionine, which is neutral and non-polar, at codon 268 of the HMCN1 protein (p.Ile268Met).

NM_031935.3(HMCN1):c.804A>G (p.Ile268Met)

Gene: HMCN1 (hemicentin 1; plus strand). Cytogenetic location: 1q31.1.
Variant type: single nucleotide variant.
Coding change: c.804A>G on transcript NM_031935.3 (MANE Select); coding-DNA position 804, A replaced by G.
Protein change: p.Ile268Met; replaces isoleucine 268 with methionine.
Molecular consequence: missense variant.
Genome position (GRCh38, 1-based): chr1:185,911,684, A>G. VCF-style: chr1-185911684-A-G. GRCh37 (hg19) VCF-style: chr1-185880816-A-G.
Other names: short protein forms I268M.
Identifiers: ClinVar variation 1985734 (VCV001985734.4), dbSNP rs1400249064, ClinGen allele CA343885435.